The following is an entry in ClinVar:

NM_000143.4(FH):c.644A>G (p.His215Arg)

Gene: FH (fumarate hydratase; minus strand). Cytogenetic location: 1q43.
Variant type: single nucleotide variant.
Coding change: c.644A>G on transcript NM_000143.4 (MANE Select); coding-DNA position 644, A replaced by G.
Protein change: p.His215Arg; replaces histidine 215 with arginine.
Molecular consequence: missense variant.
Genome position (GRCh38, 1-based): chr1:241,508,697, T>C on the plus strand (A>G on the coding strand, the complement: FH is on the minus strand). VCF-style: chr1-241508697-T-C. GRCh37 (hg19) VCF-style: chr1-241671997-T-C.
Other names: short protein forms H215R.
Identifiers: ClinVar variation 1753586 (VCV001753586.8), dbSNP rs770141324, ClinGen allele CA1478643.

ClinVar aggregate classification (germline): Uncertain significance. Review status: criteria provided, multiple submitters, no conflicts (2 of 4 stars). 2 submissions from 2 submitters: Uncertain significance (2). Last evaluated 2025-06-30.

Conditions:
Hereditary cancer-predisposing syndrome. Also called: Neoplastic Syndromes, Hereditary; Tumor predisposition; Hereditary Cancer Syndrome; Hereditary neoplastic syndrome. Identifiers: Orphanet 140162, MedGen C0027672, MeSH D009386, MONDO:0015356.

Allele frequency attached by ClinVar (database versions not stated): ExAC 0.00001.

Submissions (2):

Ambry Genetics
Classification: Uncertain significance for Hereditary cancer-predisposing syndrome. Last evaluated: 2025-06-30. Review status: criteria provided, single submitter. Criteria: Ambry Variant Classification Scheme 2023. Collection method: clinical testing. Allele origin: germline.
Comment: The p.H215R variant (also known as c.644A>G), located in coding exon 5 of the FH gene, results from an A to G substitution at nucleotide position 644. The histidine at codon 215 is replaced by arginine, an amino acid with highly similar properties. This amino acid position is not well conserved in available vertebrate species. In addition, the in silico prediction for this alteration is inconclusive. Since supporting evidence is limited at this time, the clinical significance of this alteration remains unclear.

Labcorp Genetics (formerly Invitae), Labcorp
Classification: Uncertain significance. Last evaluated: 2024-10-15. Review status: criteria provided, single submitter. Criteria: Invitae Variant Classification Sherloc (09022015). Collection method: clinical testing. Allele origin: germline.
Comment: This sequence change replaces histidine, which is basic and polar, with arginine, which is basic and polar, at codon 215 of the FH protein (p.His215Arg). This variant is present in population databases (rs770141324, gnomAD 0.004%). This variant has not been reported in the literature in individuals affected with FH-related conditions. ClinVar contains an entry for this variant (Variation ID: 1753586). Invitae Evidence Modeling of protein sequence and biophysical properties (such as structural, functional, and spatial information, amino acid conservation, physicochemical variation, residue mobility, and thermodynamic stability) indicates that this missense variant is not expected to disrupt FH protein function with a negative predictive value of 95%. In summary, the available evidence is currently insufficient to determine the role of this variant in disease. Therefore, it has been classified as a Variant of Uncertain Significance.